The following is an entry in ClinVar:

ClinVar aggregate classification (germline): Likely pathogenic (1 of 4 stars; one submission).

Conditions:
OPA1-related disorder. Also called: OPA1-related disorders; OPA1-related condition.

Submission:

PreventionGenetics, part of Exact Sciences
Classification: Likely pathogenic for OPA1-related condition. Last evaluated: 2025-01-23. Review status: criteria provided, single submitter. Criteria: ACMG Guidelines, 2015. Collection method: clinical testing. Allele origin: germline.
Comment: The OPA1 c.2872G>A variant is predicted to result in the amino acid substitution p.Val958Ile. This variant can also be denoted as c.2707G>A (p.Val903Ile) using transcript NM_015560. This variant is the last nucleotide in the exon and is predicted to decrease the strength of the canonical donor splice site (SpliceAI, Jaganathan et al. 2019. PubMed ID: 30661751). This variant has been reported in an individual with optic neuropathy (Li et al. 2017. PubMed ID: 28081242). An alternate substitution of this amino acid (p.Val958Leu) has been reported in an individual with optic atrophy and a functional analysis found that this variant results in aberrant splicing (reported as Val903Leu, Delettre et al. 2001. PubMed ID: 11810270). This variant is absent in a large population database (gnomAD), indicating this variant is rare. This variant is interpreted as likely pathogenic.

NM_130837.3(OPA1):c.2872G>A (p.Val958Ile)

Gene: OPA1 (OPA1 mitochondrial dynamin like GTPase; plus strand). Cytogenetic location: 3q29.
Variant type: single nucleotide variant.
Coding change: c.2872G>A on transcript NM_130837.3 (MANE Select); coding-DNA position 2872, G replaced by A.
Protein change: p.Val958Ile; replaces valine 958 with isoleucine.
Molecular consequence: missense variant.
Genome position (GRCh38, 1-based): chr3:193,666,389, G>A. VCF-style: chr3-193666389-G-A. GRCh37 (hg19) VCF-style: chr3-193384178-G-A.
Other names: c.2338G>A, p.Val780Ile (NM_001354663.2); c.2335G>A, p.Val779Ile (NM_001354664.2); c.2707G>A, p.Val903Ile (NM_015560.3); c.2599G>A, p.Val867Ile (NM_130831.3); c.2653G>A, p.Val885Ile (NM_130832.3); c.2710G>A, p.Val904Ile (NM_130833.3); c.2761G>A, p.Val921Ile (NM_130834.3); c.2764G>A, p.Val922Ile (NM_130835.3); and 1 more; short protein forms V780I, V885I, V903I, V904I, V921I, V922I, V940I, V958I.
Identifiers: ClinVar variation 5002084 (VCV005002084.1).